The following is an entry in ClinVar:

ClinVar aggregate classification (germline): Likely pathogenic (1 of 4 stars; one submission).

Allele frequency attached by ClinVar (database versions not stated): gnomAD exomes below 0.00001.
gnomAD v4.1: 3 of 1,594,656 alleles (0.00019%); highest among the groups gnomAD compares: East Asian, 0.0023%; no homozygotes.

Submission:

Labcorp Genetics (formerly Invitae), Labcorp
Classification: Likely pathogenic. Last evaluated: 2023-10-26. Review status: criteria provided, single submitter. Criteria: Invitae Variant Classification Sherloc (09022015). Collection method: clinical testing. Allele origin: germline.
Comment: This sequence change affects a donor splice site in intron 9 of the CDH23 gene. It is expected to disrupt RNA splicing. Variants that disrupt the donor or acceptor splice site typically lead to a loss of protein function (PMID: 16199547), and loss-of-function variants in CDH23 are known to be pathogenic (PMID: 11138009, 21940737). This variant is not present in population databases (gnomAD no frequency). This variant has not been reported in the literature in individuals affected with CDH23-related conditions. Algorithms developed to predict the effect of sequence changes on RNA splicing suggest that this variant may disrupt the consensus splice site. In summary, the currently available evidence indicates that the variant is pathogenic, but additional data are needed to prove that conclusively. Therefore, this variant has been classified as Likely Pathogenic.

Literature cited by the submitters: PubMed 16199547; PubMed 11138009; PubMed 21940737.

NM_022124.6(CDH23):c.832+1G>A

Gene: CDH23 (cadherin related 23; plus strand). Cytogenetic location: 10q22.1.
Variant type: single nucleotide variant.
Coding change: c.832+1G>A on transcript NM_022124.6 (MANE Select); the canonical splice donor site of the intron after coding-DNA position 832, G replaced by A.
Molecular consequence: splice donor variant.
Genome position (GRCh38, 1-based): chr10:71,577,993, G>A. VCF-style: chr10-71577993-G-A. GRCh37 (hg19) VCF-style: chr10-73337750-G-A.
Other names: c.832+1G>A (NM_001171930.2, NM_001171931.2, NM_052836.4 and 1 more transcripts).
Identifiers: ClinVar variation 2771898 (VCV002771898.3), dbSNP rs2493522697, ClinGen allele CA377116281.